The following is an entry in ClinVar:

ClinVar aggregate classification (germline): Uncertain significance. Review status: criteria provided, multiple submitters, no conflicts (2 of 4 stars). 2 submissions from 2 submitters: Uncertain significance (2). Last evaluated 2025-07-31.

Conditions:
Hereditary cancer-predisposing syndrome. Also called: Tumor predisposition; Hereditary neoplastic syndrome; Hereditary Cancer Syndrome; Neoplastic Syndromes, Hereditary. Identifiers: Orphanet 140162, MedGen C0027672, MeSH D009386, MONDO:0015356.
Bloom syndrome (BLM). Also called: Bloom-Torre-Machacek syndrome. Identifiers: Orphanet 125, MedGen C0005859, MONDO:0008876, OMIM 210900.

gnomAD v4.1: 1 of 1,606,918 alleles (0.000062%); highest among the groups gnomAD compares: East Asian, 0.0023%; no homozygotes.

Submissions (2):

Labcorp Genetics (formerly Invitae), Labcorp
Classification: Uncertain significance for Bloom syndrome. Last evaluated: 2025-07-31. Review status: criteria provided, single submitter. Criteria: Invitae Variant Classification Sherloc (09022015). Collection method: clinical testing. Allele origin: germline.
Comment: This sequence change replaces alanine, which is neutral and non-polar, with valine, which is neutral and non-polar, at codon 1043 of the BLM protein (p.Ala1043Val). This variant is present in population databases (no rsID available, gnomAD 0.006%). This variant has not been reported in the literature in individuals affected with BLM-related conditions. ClinVar contains an entry for this variant (Variation ID: 1461979). Invitae Evidence Modeling of protein sequence and biophysical properties (such as structural, functional, and spatial information, amino acid conservation, physicochemical variation, residue mobility, and thermodynamic stability) indicates that this missense variant is not expected to disrupt BLM protein function with a negative predictive value of 80%. In summary, the available evidence is currently insufficient to determine the role of this variant in disease. Therefore, it has been classified as a Variant of Uncertain Significance.

Ambry Genetics
Classification: Uncertain significance for Hereditary cancer-predisposing syndrome. Last evaluated: 2021-06-07. Review status: criteria provided, single submitter. Criteria: Ambry Variant Classification Scheme 2023. Collection method: clinical testing. Allele origin: germline.
Comment: The p.A1043V variant (also known as c.3128C>T), located in coding exon 15 of the BLM gene, results from a C to T substitution at nucleotide position 3128. The alanine at codon 1043 is replaced by valine, an amino acid with similar properties. This amino acid position is well conserved in available vertebrate species. In addition, the in silico prediction for this alteration is inconclusive. Since supporting evidence is limited at this time, the clinical significance of this alteration remains unclear.

NM_000057.4(BLM):c.3128C>T (p.Ala1043Val)

Gene: BLM (BLM RecQ like helicase; plus strand). Cytogenetic location: 15q26.1.
Variant type: single nucleotide variant.
Coding change: c.3128C>T on transcript NM_000057.4 (MANE Select); coding-DNA position 3128, C replaced by T.
Protein change: p.Ala1043Val; replaces alanine 1043 with valine.
Molecular consequence: missense variant.
Genome position (GRCh38, 1-based): chr15:90,794,275, C>T. VCF-style: chr15-90794275-C-T. GRCh37 (hg19) VCF-style: chr15-91337505-C-T.
Other names: c.3128C>T, p.Ala1043Val (NM_001287246.2, NM_001287247.2); c.2003C>T, p.Ala668Val (NM_001287248.2); short protein forms A668V, A1043V.
Identifiers: ClinVar variation 1461979 (VCV001461979.8), dbSNP rs2229035, ClinGen allele CA393846896.